The following is an entry in ClinVar:

NM_021620.4(PRDM13):c.639G>A (p.Leu213=)

Gene: PRDM13 (PR/SET domain 13; plus strand). Cytogenetic location: 6q16.2.
Variant type: single nucleotide variant.
Coding change: c.639G>A on transcript NM_021620.4 (MANE Select); coding-DNA position 639, G replaced by A.
Protein change: p.Leu213=; no amino-acid change (leucine 213 retained).
Molecular consequence: synonymous variant.
Genome position (GRCh38, 1-based): chr6:99,613,274, G>A. VCF-style: chr6-99613274-G-A. GRCh37 (hg19) VCF-style: chr6-100061150-G-A.
Other names: c.639G>A (NM_021620.3).
Identifiers: ClinVar variation 1169310 (VCV001169310.34), dbSNP rs371879403, ClinGen allele CA3936251.

ClinVar aggregate classification (germline): Benign/Likely benign. Review status: criteria provided, multiple submitters, no conflicts (2 of 4 stars). 3 submissions from 3 submitters: Benign (1); Likely benign (1). 1 of the submissions does not count toward it. Last evaluated 2026-07-01.

Conditions:
PRDM13-related disorder. Also called: PRDM13-related condition.

Allele frequency attached by ClinVar (database versions not stated): 1000 Genomes Project 30x 0.00078; ESP Exome Variant Server 0.00111; 1000 Genomes Project 0.00120; gnomAD 0.00279 and 0.00282; gnomAD exomes 0.00337; ExAC 0.00681.

Submissions (3):

CeGaT Center for Human Genetics Tuebingen
Classification: Likely benign. Last evaluated: 2026-07-01. Review status: criteria provided, single submitter. Criteria: CeGaT Center For Human Genetics Tuebingen Variant Classification Criteria Version 2. Collection method: clinical testing. Allele origin: germline. Affected: yes. Observed: 3 variant alleles.
Comment: PRDM13: BP4, BP7

Labcorp Genetics (formerly Invitae), Labcorp
Classification: Benign. Last evaluated: 2026-01-21. Review status: criteria provided, single submitter. Criteria: Invitae Variant Classification Sherloc (09022015). Collection method: clinical testing. Allele origin: germline.

PreventionGenetics, part of Exact Sciences
Classification: Benign for PRDM13-related condition. Last evaluated: 2019-10-17. Review status: no assertion criteria provided. Collection method: clinical testing. Allele origin: germline. Not counted in ClinVar's aggregate classification.
Comment: This variant is classified as benign based on ACMG/AMP sequence variant interpretation guidelines (Richards et al. 2015 PMID: 25741868, with internal and published modifications).